The following is an entry in ClinVar:

ClinVar aggregate classification (germline): Uncertain significance (1 of 4 stars; one submission).

Conditions:
Charcot-Marie-Tooth disease axonal type 2O. Also called: Charcot-Marie-Tooth disease, axonal, type 20; CHARCOT-MARIE-TOOTH NEUROPATHY, AXONAL, TYPE 2O; CHARCOT-MARIE-TOOTH DISEASE, AXONAL, AUTOSOMAL DOMINANT, TYPE 2O; Charcot-Marie-Tooth Neuropathy Type 2O. Identifiers: Orphanet 284232, MedGen C3280220, MONDO:0013644, OMIM 614228.

Submission:

Labcorp Genetics (formerly Invitae), Labcorp
Classification: Uncertain significance for Charcot-Marie-Tooth disease axonal type 2O. Last evaluated: 2023-12-21. Review status: criteria provided, single submitter. Criteria: Invitae Variant Classification Sherloc (09022015). Collection method: clinical testing. Allele origin: germline.
Comment: This sequence change replaces lysine, which is basic and polar, with glutamine, which is neutral and polar, at codon 3284 of the DYNC1H1 protein (p.Lys3284Gln). This variant is not present in population databases (gnomAD no frequency). This variant has not been reported in the literature in individuals affected with DYNC1H1-related conditions. Advanced modeling of protein sequence and biophysical properties (such as structural, functional, and spatial information, amino acid conservation, physicochemical variation, residue mobility, and thermodynamic stability) performed at Invitae indicates that this missense variant is not expected to disrupt DYNC1H1 protein function with a negative predictive value of 95%. In summary, the available evidence is currently insufficient to determine the role of this variant in disease. Therefore, it has been classified as a Variant of Uncertain Significance.

NM_001376.5(DYNC1H1):c.9850A>C (p.Lys3284Gln)

Gene: DYNC1H1 (dynein cytoplasmic 1 heavy chain 1; plus strand). Cytogenetic location: 14q32.31.
Variant type: single nucleotide variant.
Coding change: c.9850A>C on transcript NM_001376.5 (MANE Select); coding-DNA position 9850, A replaced by C.
Protein change: p.Lys3284Gln; replaces lysine 3284 with glutamine.
Molecular consequence: missense variant.
Genome position (GRCh38, 1-based): chr14:102,030,249, A>C. VCF-style: chr14-102030249-A-C. GRCh37 (hg19) VCF-style: chr14-102496586-A-C.
Other names: short protein forms K3284Q.
Identifiers: ClinVar variation 2765806 (VCV002765806.3), dbSNP rs2503813362, ClinGen allele CA391018401.